The following is an entry in ClinVar:

ClinVar aggregate classification (germline): Benign/Likely benign. Review status: criteria provided, multiple submitters, no conflicts (2 of 4 stars). 13 submissions from 11 submitters: Benign (10); Likely benign (2). 1 of the submissions does not count toward it. Last evaluated 2026-02-04.

Conditions:
Usher syndrome type 1 (USH1). Also called: RETINITIS PIGMENTOSA AND CONGENITAL DEAFNESS. Identifiers: Orphanet 231169, Orphanet 886, MedGen C1568247, MONDO:0010168, OMIM 276900.
Autosomal recessive nonsyndromic hearing loss 12. Also called: DEAFNESS, AUTOSOMAL RECESSIVE 12. Identifiers: Orphanet 90636, MedGen C1832394, MONDO:0011067, OMIM 601386.
Usher syndrome type 1D (USH1D). Also called: USHER SYNDROME, TYPE ID. Identifiers: Orphanet 231169, Orphanet 886, MedGen C1832845, MONDO:0010984, OMIM 601067.

Allele frequency attached by ClinVar (database versions not stated): TOPMed 0.02096; ESP Exome Variant Server 0.02429; 1000 Genomes Project 0.01078; gnomAD exomes 0.02085; 1000 Genomes Project 30x 0.01046; gnomAD 0.02047 and 0.02029; ExAC 0.02081.
gnomAD v4.1: 41,061 of 1,613,902 alleles (2.5%); highest among the groups gnomAD compares: Middle Eastern, 3.5%; 621 homozygotes.

Submissions (13):

Labcorp Genetics (formerly Invitae), Labcorp
Classification: Benign. Last evaluated: 2026-02-04. Review status: criteria provided, single submitter. Criteria: Invitae Variant Classification Sherloc (09022015). Collection method: clinical testing. Allele origin: germline.

ARUP Laboratories, Molecular Genetics and Genomics, ARUP Laboratories
Classification: Benign. Last evaluated: 2023-10-09. Review status: criteria provided, single submitter. Criteria: ARUP Molecular Germline Variant Investigation Process 2024. Collection method: clinical testing. Allele origin: germline.

Genome-Nilou Lab
Classification: Benign for Usher syndrome type 1D. Last evaluated: 2021-07-01. Review status: criteria provided, single submitter. Criteria: ACMG Guidelines, 2015. Collection method: clinical testing. Allele origin: germline. Affected: no.

Genome-Nilou Lab
Classification: Benign for Autosomal recessive nonsyndromic hearing loss 12. Last evaluated: 2021-07-01. Review status: criteria provided, single submitter. Criteria: ACMG Guidelines, 2015. Collection method: clinical testing. Allele origin: germline. Affected: no.

Mayo Clinic Laboratories, Mayo Clinic
Classification: Benign. Last evaluated: 2020-12-07. Review status: criteria provided, single submitter. Criteria: ACMG Guidelines, 2015. Collection method: clinical testing. Allele origin: germline. Observed: 6 variant alleles.

Athena Diagnostics
Classification: Benign. Last evaluated: 2018-10-12. Review status: criteria provided, single submitter. Criteria: Athena Diagnostics Criteria. Collection method: clinical testing. Allele origin: germline.

Illumina Laboratory Services, Illumina
Classification: Benign for Usher syndrome type 1D. Last evaluated: 2017-04-27. Review status: criteria provided, single submitter. Criteria: ICSL Variant Classification Criteria 13 December 2019. Collection method: clinical testing. Allele origin: germline.
Comment: This variant was observed as part of a predisposition screen in an ostensibly healthy population. A literature search was performed for the gene, cDNA change, and amino acid change (where applicable). Publications were found based on this search. The evidence from the literature, in combination with allele frequency data from public databases where available, was sufficient to rule this variant out of causing disease. Therefore, this variant is classified as benign.

Illumina Laboratory Services, Illumina
Classification: Likely benign for Autosomal recessive nonsyndromic hearing loss 12. Last evaluated: 2017-04-27. Review status: criteria provided, single submitter. Criteria: ICSL Variant Classification Criteria 13 December 2019. Collection method: clinical testing. Allele origin: germline.
Comment: This variant was observed as part of a predisposition screen in an ostensibly healthy population. A literature search was performed for the gene, cDNA change, and amino acid change (where applicable). Publications were found based on this search. The evidence from the literature, in combination with allele frequency data from public databases where available, was sufficient to determine this variant is unlikely to cause disease. Therefore, this variant is classified as likely benign.

GeneDx
Classification: Benign. Last evaluated: 2013-09-23. Review status: criteria provided, single submitter. Criteria: GeneDx Variant Classification (06012015). Collection method: clinical testing. Allele origin: germline. Affected: yes.
Comment: This variant is considered likely benign or benign based on one or more of the following criteria: it is a conservative change, it occurs at a poorly conserved position in the protein, it is predicted to be benign by multiple in silico algorithms, and/or has population frequency not consistent with disease.

Laboratory for Molecular Medicine, Mass General Brigham Personalized Medicine
Classification: Benign. Last evaluated: 2009-06-12. Review status: criteria provided, single submitter. Criteria: LMM Criteria. Collection method: clinical testing. Allele origin: germline. Observed: 114 variant alleles.

Breakthrough Genomics
Classification: Likely benign. Review status: criteria provided, single submitter. Criteria: ACMG Guidelines, 2015. Collection method: not provided. Allele origin: germline. Inheritance: Autosomal recessive inheritance. Affected: yes.

PreventionGenetics, part of Exact Sciences
Classification: Benign. Review status: criteria provided, single submitter. Criteria: ACMG Guidelines, 2015. Collection method: clinical testing. Allele origin: germline.

Natera, Inc.
Classification: Benign for Usher syndrome type 1. Last evaluated: 2020-09-16. Review status: no assertion criteria provided. Collection method: clinical testing. Allele origin: germline. Not counted in ClinVar's aggregate classification.

Literature cited by the submitters: PubMed 12075507 (cited by Athena Diagnostics and Illumina Laboratory Services, Illumina); PubMed 18429043 (cited by 3 submitters); PubMed 15660226 (cited by 3 submitters); PubMed 21569298 (cited by Athena Diagnostics and Illumina Laboratory Services, Illumina).

NM_022124.6(CDH23):c.3664G>A (p.Ala1222Thr)

Genes: C10orf105 (chromosome 10 open reading frame 105; minus strand), CDH23 (cadherin related 23; plus strand). Cytogenetic location: 10q22.1.
Variant type: single nucleotide variant.
Coding change: c.3664G>A on transcript NM_022124.6 (MANE Select); coding-DNA position 3664, G replaced by A.
Protein change: p.Ala1222Thr; replaces alanine 1222 with threonine.
Molecular consequence: missense variant. On other transcripts: intron variant (1).
Genome position (GRCh38, 1-based): chr10:71,730,553, G>A. VCF-style: chr10-71730553-G-A. GRCh37 (hg19) VCF-style: chr10-73490310-G-A.
Other names: p.A1222T:GCA>ACA; c.3664G>A, p.Ala1222Thr (NM_001171930.2); c.-6+7175C>T (NM_001168390.2); short protein forms A1222T.
Identifiers: ClinVar variation 45927 (VCV000045927.25), dbSNP rs41281316, ClinGen allele CA137389.